The following is an entry in ClinVar:

ClinVar aggregate classification (germline): Uncertain significance. Review status: criteria provided, multiple submitters, no conflicts (2 of 4 stars). 3 submissions from 3 submitters: Uncertain significance (3). Last evaluated 2024-10-18.

Conditions:
Progressive myoclonic epilepsy. Also called: Familial progressive myoclonic epilepsy; Myoclonic Epilepsies, Progressive; Myoclonus epilepsy; Progressive myoclonus epilepsy. Identifiers: Orphanet 308, Orphanet 98261, MedGen C0751778, MONDO:0020074.
Inborn genetic diseases. Identifiers: MedGen C0950123, MeSH D030342.

Allele frequency attached by ClinVar (database versions not stated): gnomAD exomes below 0.00001; gnomAD 0.00001.
gnomAD v4.1: 9 of 1,607,760 alleles (0.00056%); highest among the groups gnomAD compares: African/African-American, 0.0013%; no homozygotes.

Submissions (3):

Labcorp Genetics (formerly Invitae), Labcorp
Classification: Uncertain significance for Progressive myoclonic epilepsy. Last evaluated: 2024-10-18. Review status: criteria provided, single submitter. Criteria: Invitae Variant Classification Sherloc (09022015). Collection method: clinical testing. Allele origin: germline.
Comment: This sequence change replaces isoleucine, which is neutral and non-polar, with valine, which is neutral and non-polar, at codon 41 of the GOSR2 protein (p.Ile41Val). This variant is not present in population databases (gnomAD no frequency). This variant has not been reported in the literature in individuals affected with GOSR2-related conditions. ClinVar contains an entry for this variant (Variation ID: 1956133). An algorithm developed to predict the effect of missense changes on protein structure and function (PolyPhen-2) suggests that this variant¬†is likely to be tolerated. In summary, the available evidence is currently insufficient to determine the role of this variant in disease. Therefore, it has been classified as a Variant of Uncertain Significance.

Ambry Genetics
Classification: Uncertain significance for Inborn genetic diseases. Last evaluated: 2024-10-11. Review status: criteria provided, single submitter. Criteria: Ambry Variant Classification Scheme 2023. Collection method: clinical testing. Allele origin: germline.

Revvity Omics, Revvity
Classification: Uncertain significance. Last evaluated: 2019-07-18. Review status: criteria provided, single submitter. Criteria: ACMG Guidelines, 2015. Collection method: clinical testing. Allele origin: germline.

NM_004287.5(GOSR2):c.121A>G (p.Ile41Val)

Genes: GOSR2 (golgi SNAP receptor complex member 2; plus strand), LRRC37A2 (leucine rich repeat containing 37 member A2), LOC126862578 (BRD4-independent group 4 enhancer GRCh37_chr17:45008344-45009543; plus strand). Cytogenetic location: 17q21.32.
Variant type: single nucleotide variant.
Coding change: c.121A>G on transcript NM_004287.5 (MANE Select); coding-DNA position 121, A replaced by G.
Protein change: p.Ile41Val; replaces isoleucine 41 with valine.
Molecular consequence: missense variant. On other transcripts: non-coding transcript variant (3).
Genome position (GRCh38, 1-based): chr17:46,931,125, A>G. VCF-style: chr17-46931125-A-G. GRCh37 (hg19) VCF-style: chr17-45008491-A-G.
Other names: c.121A>G, p.Ile41Val (NM_001012511.3, NM_001321133.2, NM_001330252.2 and 1 more transcripts); c.67A>G, p.Ile23Val (NM_001321134.2, NM_001363851.2); c.118A>G, p.Ile40Val (NM_001353114.2, NM_001353115.2, NM_001353116.2); c.121A>G (NM_004287.3); short protein forms I23V, I40V, I41V.
Identifiers: ClinVar variation 1956133 (VCV001956133.7), dbSNP rs2087306731, ClinGen allele CA400016652.
Genomic context (GRCh38, chr17:46,931,125, plus strand): 5'-TTCCAGCAATTATTCTTTTTTCTTTTTTGTACAGTAGTAGAAAACGAAATCCAAGCAAGC[A>G]TAGACCAGATATTCAGCCGTCTAGAACGTCTGGAGATTTTGTCCAGCAAGGAGCCCCCTA-3'
Protein context (NP_004278.2, residues 31-51): HIVENEIQAS[Ile41Val]DQIFSRLERL